The following is an entry in ClinVar:

ClinVar aggregate classification (germline): Uncertain significance. Review status: criteria provided, multiple submitters, no conflicts (2 of 4 stars). 2 submissions from 2 submitters: Uncertain significance (2). Last evaluated 2021-10-12.

Allele frequency attached by ClinVar (database versions not stated): gnomAD exomes below 0.00001 and 0.00002; ExAC 0.00003; gnomAD 0.00005 and 0.00006; TOPMed 0.00006; 1000 Genomes Project 0.00020; 1000 Genomes Project 30x 0.00031.
gnomAD v4.1: 22 of 1,612,506 alleles (0.0014%); highest among the groups gnomAD compares: Middle Eastern, 0.017%; no homozygotes.

Submissions (2):

Ambry Genetics
Classification: Uncertain significance. Last evaluated: 2021-10-12. Review status: criteria provided, single submitter. Criteria: Ambry Variant Classification Scheme 2023. Collection method: clinical testing. Allele origin: germline.

Labcorp Genetics (formerly Invitae), Labcorp
Classification: Uncertain significance. Last evaluated: 2021-10-05. Review status: criteria provided, single submitter. Criteria: Invitae Variant Classification Sherloc (09022015). Collection method: clinical testing. Allele origin: germline.
Comment: In summary, the available evidence is currently insufficient to determine the role of this variant in disease. Therefore, it has been classified as a Variant of Uncertain Significance. Algorithms developed to predict the effect of missense changes on protein structure and function are either unavailable or do not agree on the potential impact of this missense change (SIFT: "Deleterious"; PolyPhen-2: "Possibly Damaging"; Align-GVGD: "Class C0"). This variant has not been reported in the literature in individuals affected with RNLS-related conditions. This variant is present in population databases (rs544985084, ExAC 0.02%). This sequence change replaces leucine with proline at codon 335 of the RNLS protein (p.Leu335Pro). The leucine residue is weakly conserved and there is a moderate physicochemical difference between leucine and proline.

NM_001031709.3(RNLS):c.1004T>C (p.Leu335Pro)

Gene: RNLS (renalase, FAD dependent amine oxidase; minus strand). Cytogenetic location: 10q23.31.
Variant type: single nucleotide variant.
Coding change: c.1004T>C on transcript NM_001031709.3 (MANE Select); coding-DNA position 1004, T replaced by C.
Protein change: p.Leu335Pro; replaces leucine 335 with proline.
Molecular consequence: missense variant. On other transcripts: intron variant (1).
Genome position (GRCh38, 1-based): chr10:88,285,379, A>G on the plus strand (T>C on the coding strand, the complement: RNLS is on the minus strand). VCF-style: chr10-88285379-A-G. GRCh37 (hg19) VCF-style: chr10-90045136-A-G.
Other names: c.877-10347T>C (NM_018363.4); c.1004T>C (NM_001031709.2); short protein forms L335P.
Identifiers: ClinVar variation 1492769 (VCV001492769.7), dbSNP rs544985084, ClinGen allele CA5590313.